The following is an entry in ClinVar:

ClinVar aggregate classification (germline): Uncertain significance (1 of 4 stars; one submission).

Conditions:
Inborn genetic diseases. Identifiers: MedGen C0950123, MeSH D030342.

Submission:

Ambry Genetics
Classification: Uncertain significance for Inborn genetic diseases. Last evaluated: 2025-11-25. Review status: criteria provided, single submitter. Criteria: Ambry Variant Classification Scheme 2023. Collection method: clinical testing. Allele origin: germline.
Comment: The p.V307A variant (also known as c.920T>C), located in coding exon 1 of the SAMD9L gene, results from a T to C substitution at nucleotide position 920. The valine at codon 307 is replaced by alanine, an amino acid with similar properties. This amino acid position is conserved. In addition, the in silico prediction for this alteration is inconclusive. Based on the available evidence, the clinical significance of this variant remains unclear.

NM_152703.5(SAMD9L):c.920T>C (p.Val307Ala)

Gene: SAMD9L (sterile alpha motif domain containing 9 like; minus strand). Cytogenetic location: 7q21.2.
Variant type: single nucleotide variant.
Coding change: c.920T>C on transcript NM_152703.5 (MANE Select); coding-DNA position 920, T replaced by C.
Protein change: p.Val307Ala; replaces valine 307 with alanine.
Molecular consequence: missense variant.
Genome position (GRCh38, 1-based): chr7:93,135,052, A>G on the plus strand (T>C on the coding strand, the complement: SAMD9L is on the minus strand). VCF-style: chr7-93135052-A-G. GRCh37 (hg19) VCF-style: chr7-92764365-A-G.
Other names: c.920T>C, p.Val307Ala (NM_001303496.3, NM_001303497.3, NM_001303498.3 and 5 more transcripts); short protein forms V307A.
Identifiers: ClinVar variation 4630140 (VCV004630140.1).